The following is an entry in ClinVar:

NM_153717.3(EVC):c.802-15C>T

Gene: EVC (EvC ciliary complex subunit 1; plus strand). Cytogenetic location: 4p16.2.
Variant type: single nucleotide variant.
Coding change: c.802-15C>T on transcript NM_153717.3 (MANE Select); 15 bases into the intron before coding-DNA position 802, C replaced by T.
Molecular consequence: intron variant.
Genome position (GRCh38, 1-based): chr4:5,745,189, C>T. VCF-style: chr4-5745189-C-T. GRCh37 (hg19) VCF-style: chr4-5746916-C-T.
Other names: c.802-15C>T (NM_001306090.2, NM_001306092.2).
Identifiers: ClinVar variation 262782 (VCV000262782.22), dbSNP rs4689313, ClinGen allele CA2835877.

ClinVar aggregate classification (germline): Benign. Review status: criteria provided, multiple submitters, no conflicts (2 of 4 stars). 10 submissions from 9 submitters: Benign (10). Last evaluated 2026-05-08.

Conditions:
Ellis-van Creveld syndrome (EVC). Also called: Chondroectodermal dysplasia; MESOECTODERMAL DYSPLASIA. Identifiers: Orphanet 289, MedGen C0013903, MONDO:0009162, OMIM 225500.
Curry-Hall syndrome (WAD). Also called: WEYERS ACRODENTAL DYSOSTOSIS. Identifiers: Orphanet 952, MedGen C0457013, MONDO:0008673, OMIM 193530.

Allele frequency attached by ClinVar (database versions not stated): ExAC 0.58425; 1000 Genomes Project 0.59006; gnomAD exomes 0.59680 and 0.62354; gnomAD 0.60306 and 0.60798.
gnomAD v4.1: 943,444 of 1,518,254 alleles (62%); highest among the groups gnomAD compares: Non-Finnish European, 64%; 280,839 homozygotes.

Submissions (10):

Women's Health and Genetics/Laboratory Corporation of America, LabCorp
Classification: Benign. Last evaluated: 2026-05-08. Review status: criteria provided, single submitter. Criteria: LabCorp Variant Classification Summary - May 2015. Collection method: clinical testing. Allele origin: germline.

Labcorp Genetics (formerly Invitae), Labcorp
Classification: Benign for Curry-Hall syndrome; Ellis-van Creveld syndrome. Last evaluated: 2026-02-04. Review status: criteria provided, single submitter. Criteria: Invitae Variant Classification Sherloc (09022015). Collection method: clinical testing. Allele origin: germline.

Blueprint Genetics
Classification: Benign. Last evaluated: 2024-11-26. Review status: criteria provided, single submitter. Criteria: ACMG Guidelines, 2015. Collection method: clinical testing. Allele origin: germline.

Genome-Nilou Lab
Classification: Benign for Curry-Hall syndrome. Last evaluated: 2021-07-30. Review status: criteria provided, single submitter. Criteria: ACMG Guidelines, 2015. Collection method: clinical testing. Allele origin: germline. Affected: no.

Genome-Nilou Lab
Classification: Benign for Ellis-van Creveld syndrome. Last evaluated: 2021-07-30. Review status: criteria provided, single submitter. Criteria: ACMG Guidelines, 2015. Collection method: clinical testing. Allele origin: germline. Affected: no.

Pars Genome Lab
Classification: Benign for Ellis-van Creveld syndrome. Last evaluated: 2021-06-15. Review status: criteria provided, single submitter. Criteria: ACMG Guidelines, 2015. Collection method: clinical testing. Allele origin: germline. Affected: no.

Illumina Laboratory Services, Illumina
Classification: Benign for Ellis-van Creveld syndrome. Last evaluated: 2018-01-13. Review status: criteria provided, single submitter. Criteria: ICSL Variant Classification Criteria 13 December 2019. Collection method: clinical testing. Allele origin: germline.
Comment: This variant was observed in the ICSL laboratory as part of a predisposition screen in an ostensibly healthy population. It had not been previously curated by ICSL or reported in the Human Gene Mutation Database (HGMD: prior to June 1st, 2018), and was therefore a candidate for classification through an automated scoring system. Utilizing variant allele frequency, disease prevalence and penetrance estimates, and inheritance mode, an automated score was calculated to assess if this variant is too frequent to cause the disease. Based on the score and internal cut-off values, a variant classified as benign is not then subjected to further curation. The score for this variant resulted in a classification of benign for this disease.

GeneDx
Classification: Benign. Last evaluated: 2016-03-03. Review status: criteria provided, single submitter. Criteria: GeneDx Variant Classification (06012015). Collection method: clinical testing. Allele origin: germline. Affected: yes.
Comment: This variant is considered likely benign or benign based on one or more of the following criteria: it is a conservative change, it occurs at a poorly conserved position in the protein, it is predicted to be benign by multiple in silico algorithms, and/or has population frequency not consistent with disease.

Breakthrough Genomics
Classification: Benign. Review status: criteria provided, single submitter. Criteria: ACMG Guidelines, 2015. Collection method: not provided. Allele origin: germline. Inheritance: Autosomal recessive inheritance. Affected: yes.

PreventionGenetics, part of Exact Sciences
Classification: Benign. Review status: criteria provided, single submitter. Criteria: ACMG Guidelines, 2015. Collection method: clinical testing. Allele origin: germline.